The following is an entry in ClinVar:

NM_017514.5(PLXNA3):c.373C>A (p.Leu125Met)

Gene: PLXNA3 (plexin A3; plus strand). Cytogenetic location: Xq28.
Variant type: single nucleotide variant.
Coding change: c.373C>A on transcript NM_017514.5 (MANE Select); coding-DNA position 373, C replaced by A.
Protein change: p.Leu125Met; replaces leucine 125 with methionine.
Molecular consequence: missense variant.
Genome position (GRCh38, 1-based): chrX:154,460,556, C>A. VCF-style: chrX-154460556-C-A. GRCh37 (hg19) VCF-style: chrX-153688896-C-A.
Other names: short protein forms L125M.
Identifiers: ClinVar variation 5001876 (VCV005001876.1).

ClinVar aggregate classification (germline): Uncertain significance (1 of 4 stars; one submission).

Conditions:
PLXNA3-related disorder. Also called: PLXNA3-related condition.

Submission:

PreventionGenetics, part of Exact Sciences
Classification: Uncertain significance for PLXNA3-related condition. Last evaluated: 2025-09-29. Review status: criteria provided, single submitter. Criteria: ACMG Guidelines, 2015. Collection method: clinical testing. Allele origin: germline.
Comment: The PLXNA3 c.373C>A variant is predicted to result in the amino acid substitution p.Leu125Met. To our knowledge, this variant has not been reported in the literature. This variant is reported in 0.0077% of alleles in individuals of African descent in gnomAD. At this time, the clinical significance of this variant is uncertain due to the absence of conclusive functional and genetic evidence.